The following is an entry in ClinVar:

NM_000392.5(ABCC2):c.4210GAG[1] (p.Glu1405del)

Gene: ABCC2 (ATP binding cassette subfamily C member 2; plus strand). Cytogenetic location: 10q24.2.
Variant type: Microsatellite.
Coding change: c.4210GAG[1] on transcript NM_000392.5 (MANE Select); one copy of the 3-base unit GAG starting at c.4210; the reference has two copies in a row; one copy, 3 bases deleted; also written c.4213_4215del.
Protein change: p.Glu1405del; deletes glutamic acid 1405.
Molecular consequence: inframe deletion.
Genome position (GRCh38, 1-based): chr10:99,847,027-99,847,029, GAG deleted; deleting any 3 consecutive bases within chr10:99,847,024-99,847,029 gives the same sequence; the position shown is the placement nearest the transcript's 3' end. VCF-style (leftmost placement, unchanged base first): chr10-99847023-TGAG-T. GRCh37 (hg19) VCF-style: chr10-101606780-TGAG-T.
Other names: p.Glu1405del; c.4213_4215delGAG (NM_000392.4); c.4213_4215del (NM_000392.5); short protein forms E1405del.
Identifiers: ClinVar variation 4077767 (VCV004077767.3).

ClinVar aggregate classification (germline): Uncertain significance. Review status: criteria provided, multiple submitters, no conflicts (2 of 4 stars). 3 submissions from 3 submitters: Uncertain significance (3). Last evaluated 2025-06-26.

Conditions:
Dubin-Johnson syndrome (DJS). Also called: HYPERBILIRUBINEMIA, DUBIN-JOHNSON TYPE; Jaundice, Chronic Idiopathic; Hyperbilirubinemia type 2. Identifiers: Orphanet 234, MedGen C0022350, MONDO:0009380, OMIM 237500.
ABCC2-related disorder. Also called: ABCC2-related condition.

Submissions (3):

Mayo Clinic Laboratories, Mayo Clinic
Classification: Uncertain significance. Last evaluated: 2025-06-26. Review status: criteria provided, single submitter. Criteria: ACMG Guidelines, 2015. Collection method: clinical testing. Allele origin: germline. Observed: 1 variant allele.
Comment: PM2_supporting, PM4

PreventionGenetics, part of Exact Sciences
Classification: Uncertain significance for ABCC2-related condition. Last evaluated: 2025-02-17. Review status: criteria provided, single submitter. Criteria: ACMG Guidelines, 2015. Collection method: clinical testing. Allele origin: germline.
Comment: The ABCC2 c.4213_4215delGAG variant is predicted to result in an in-frame deletion (p.Glu1405del). To our knowledge, this variant has not been reported in the literature. This variant is reported in 0.012% of alleles in individuals of African descent in gnomAD. At this time, the clinical significance of this variant is uncertain due to the absence of conclusive functional and genetic evidence.

Revvity Omics, Revvity
Classification: Uncertain significance for Dubin-Johnson syndrome. Last evaluated: 2023-11-07. Review status: criteria provided, single submitter. Criteria: ACMG Guidelines, 2015. Collection method: clinical testing. Allele origin: germline.